The following is an entry in ClinVar:

NM_000038.6(APC):c.2485del (p.Thr829fs)

Gene: APC (APC regulator of Wnt signaling pathway; plus strand). Cytogenetic location: 5q22.2.
Variant type: Deletion.
Coding change: c.2485del on transcript NM_000038.6 (MANE Select); coding-DNA position 2485, one base deleted (A; older notation c.2485delA).
Protein change: p.Thr829fs; shifts the reading frame from threonine 829.
Molecular consequence: frameshift variant.
Genome position (GRCh38, 1-based): chr5:112,838,079, A deleted. VCF-style (leftmost placement, unchanged base first): chr5-112838078-TA-T. GRCh37 (hg19) VCF-style: chr5-112173775-TA-T.
Other names: c.2485del, p.Thr829fs (NM_001127510.3, NM_001354895.2); c.2431del, p.Thr811fs (NM_001127511.3); c.2539del, p.Thr847fs (NM_001354896.2); c.2515del, p.Thr839fs (NM_001354897.2); c.2410del, p.Thr804fs (NM_001354898.2); c.2401del, p.Thr801fs (NM_001354899.2); c.2362del, p.Thr788fs (NM_001354900.2); c.2308del, p.Thr770fs (NM_001354901.2); and 6 more; short protein forms T546fs, T738fs, T804fs, T669fs, T788fs, T801fs, T811fs, T829fs.
Identifiers: ClinVar variation 571789 (VCV000571789.18), dbSNP rs1561577476, ClinGen allele CA891842604.

ClinVar aggregate classification (germline): Pathogenic. Review status: criteria provided, multiple submitters, no conflicts (2 of 4 stars). 2 submissions from 2 submitters: Pathogenic (2). Last evaluated 2019-11-10.

Conditions:
Familial adenomatous polyposis 1 (FAP1). Also called: POLYPOSIS, ADENOMATOUS INTESTINAL; FAMILIAL ADENOMATOUS POLYPOSIS 1, ATTENUATED. Identifiers: MedGen C2713442, MONDO:0021056, OMIM 175100. Disease mechanism: loss of function.

Submissions (2):

Labcorp Genetics (formerly Invitae), Labcorp
Classification: Pathogenic for Familial adenomatous polyposis 1. Last evaluated: 2019-11-10. Review status: criteria provided, single submitter. Criteria: Invitae Variant Classification Sherloc (09022015). Collection method: clinical testing. Allele origin: germline.
Comment: For these reasons, this variant has been classified as Pathogenic. Several different truncations downstream of this variant (p.Ser932*, p.Ala1050Glufs*6, and p.Gln1062*) have been determined to be pathogenic (PMID: 20685668, 23460355, 15771908). This suggests that deletion of this region of the APC protein is causative of disease. This variant has not been reported in the literature in individuals with APC-related disease. ClinVar contains an entry for this variant (Variation ID: 571789). This variant is not present in population databases (ExAC no frequency). This sequence change results in a premature translational stop signal in the APC gene (p.Thr829Glnfs*13). While this is not anticipated to result in nonsense mediated decay, it is expected to disrupt the last 2015 amino acids (~70%) of the APC protein.

ARUP Laboratories, Molecular Genetics and Genomics, ARUP Laboratories
Classification: Pathogenic. Last evaluated: 2018-04-26. Review status: criteria provided, single submitter. Criteria: ARUP Molecular Germline Variant Investigation Process. Collection method: clinical testing. Allele origin: germline.
Comment: The APC c.2485delA; p.Thr829fs variant, to our knowledge, is not reported in the medical literature or gene specific databases. This variant is also absent from general population databases (1000 Genomes Project, Exome Variant Server, and Genome Aggregation Database), indicating it is not a common polymorphism. This variant causes a frameshift by deleting a single nucleotide, so it is predicted to result in a truncated protein. The vast majority of pathogenic APC variants are truncating nonsense or frameshift variants (see InSiGHt, Kerr 2013). Based on available information, the c.2485delA variant is considered to be pathogenic. REFERENCES Link to InSiGHt. Kerr SE et al. APC germline mutations in individuals being evaluated for familial adenomatous polyposis: a review of the Mayo Clinic experience with 1591 consecutive tests. J Mol Diagn. 2013 Jan;15(1):31-43.

Literature cited by the submitters: PubMed 20685668 (cited by Labcorp Genetics (formerly Invitae), Labcorp); PubMed 23460355 (cited by Labcorp Genetics (formerly Invitae), Labcorp); PubMed 15771908 (cited by Labcorp Genetics (formerly Invitae), Labcorp).